The following is an entry in ClinVar:

NM_024652.6(LRRK1):c.990-4G>A

Gene: LRRK1 (leucine rich repeat kinase 1; plus strand). Cytogenetic location: 15q26.3.
Variant type: single nucleotide variant.
Coding change: c.990-4G>A on transcript NM_024652.6 (MANE Select); 4 bases into the intron before coding-DNA position 990, G replaced by A.
Molecular consequence: intron variant.
Genome position (GRCh38, 1-based): chr15:101,010,446, G>A. VCF-style: chr15-101010446-G-A. GRCh37 (hg19) VCF-style: chr15-101550651-G-A.
Other names: c.990-4G>A (NM_024652.5).
Identifiers: ClinVar variation 1594037 (VCV001594037.10), dbSNP rs377162968, ClinGen allele CA7760772.

ClinVar aggregate classification (germline): Likely benign. Review status: criteria provided, single submitter (1 of 4 stars). 2 submissions from 2 submitters: Likely benign (1). 1 of the submissions does not count toward it. Last evaluated 2025-11-03.

Conditions:
LRRK1-related disorder. Also called: LRRK1-related condition.

Allele frequency attached by ClinVar (database versions not stated): ExAC 0.00014; ESP Exome Variant Server 0.00017; gnomAD exomes 0.00017; gnomAD 0.00018 and 0.00021; TOPMed 0.00020.
gnomAD v4.1: 380 of 1,608,230 alleles (0.024%); highest among the groups gnomAD compares: Non-Finnish European, 0.031%; 1 homozygote.

Submissions (2):

Labcorp Genetics (formerly Invitae), Labcorp
Classification: Likely benign. Last evaluated: 2025-11-03. Review status: criteria provided, single submitter. Criteria: Invitae Variant Classification Sherloc (09022015). Collection method: clinical testing. Allele origin: germline.

PreventionGenetics, part of Exact Sciences
Classification: Likely benign for LRRK1-related condition. Last evaluated: 2019-10-03. Review status: no assertion criteria provided. Collection method: clinical testing. Allele origin: germline. Not counted in ClinVar's aggregate classification.
Comment: This variant is classified as likely benign based on ACMG/AMP sequence variant interpretation guidelines (Richards et al. 2015 PMID: 25741868, with internal and published modifications).